The following is an entry in ClinVar:

ClinVar aggregate classification (germline): Uncertain significance (1 of 4 stars; one submission).

Conditions:
SLC9A9-related disorder. Also called: SLC9A9-related condition.

Submission:

PreventionGenetics, part of Exact Sciences
Classification: Uncertain significance for SLC9A9-related condition. Last evaluated: 2025-12-05. Review status: criteria provided, single submitter. Criteria: ACMG Guidelines, 2015. Collection method: clinical testing. Allele origin: germline.
Comment: The SLC9A9 c.1336T>C variant is predicted to result in the amino acid substitution p.Phe446Leu. To our knowledge, this variant has not been reported in the literature or in a large population database (gnomAD), indicating this variant is rare. At this time, the clinical significance of this variant is uncertain due to the absence of conclusive functional and genetic evidence.

NM_173653.4(SLC9A9):c.1336T>C (p.Phe446Leu)

Gene: SLC9A9 (solute carrier family 9 member A9; minus strand). Cytogenetic location: 3q24.
Variant type: single nucleotide variant.
Coding change: c.1336T>C on transcript NM_173653.4 (MANE Select); coding-DNA position 1336, T replaced by C.
Protein change: p.Phe446Leu; replaces phenylalanine 446 with leucine.
Molecular consequence: missense variant.
Genome position (GRCh38, 1-based): chr3:143,467,170, A>G on the plus strand (T>C on the coding strand, the complement: SLC9A9 is on the minus strand). VCF-style: chr3-143467170-A-G. GRCh37 (hg19) VCF-style: chr3-143186012-A-G.
Other names: short protein forms F446L.
Identifiers: ClinVar variation 2631741 (VCV002631741.2), dbSNP rs2473079198, ClinGen allele CA354874284.